The following is an entry in ClinVar:

ClinVar aggregate classification (germline): Uncertain significance (1 of 4 stars; one submission).

Conditions:
Cardiovascular phenotype. Identifiers: MedGen CN230736.

Submission:

Ambry Genetics
Classification: Uncertain significance for Cardiovascular phenotype. Last evaluated: 2025-06-28. Review status: criteria provided, single submitter. Criteria: Ambry Variant Classification Scheme 2023. Collection method: clinical testing. Allele origin: germline.
Comment: The p.H889P variant (also known as c.2666A>C), located in coding exon 18 of the TRPM4 gene, results from an A to C substitution at nucleotide position 2666. The histidine at codon 889 is replaced by proline, an amino acid with similar properties. This amino acid position is conserved. In addition, this alteration is predicted to be tolerated by in silico analysis. Based on the available evidence, the clinical significance of this variant remains unclear.

NM_017636.4(TRPM4):c.2666A>C (p.His889Pro)

Gene: TRPM4 (transient receptor potential cation channel subfamily M member 4; plus strand). Cytogenetic location: 19q13.33.
Variant type: single nucleotide variant.
Coding change: c.2666A>C on transcript NM_017636.4 (MANE Select); coding-DNA position 2666, A replaced by C.
Protein change: p.His889Pro; replaces histidine 889 with proline.
Molecular consequence: missense variant.
Genome position (GRCh38, 1-based): chr19:49,200,320, A>C. VCF-style: chr19-49200320-A-C. GRCh37 (hg19) VCF-style: chr19-49703577-A-C.
Other names: c.2231A>C, p.His744Pro (NM_001195227.2); c.2321A>C, p.His774Pro (NM_001321281.2); c.1058A>C, p.His353Pro (NM_001321282.2); c.2144A>C, p.His715Pro (NM_001321283.2); c.1604A>C, p.His535Pro (NM_001321285.2); short protein forms H353P, H535P, H715P, H744P, H889P, H774P.
Identifiers: ClinVar variation 4191753 (VCV004191753.1).
Genomic context (GRCh38, chr19:49,200,320, plus strand): 5'-TTGTGACACTTGACCCTTGTGGCATCTCCCCACACCCCAGGCTGACCCCGGGTTTGTACC[A>C]CCTGGGCCGCACTGTCCTCTGCATCGACTTCATGGTTTTCACGGTGCGGCTGCTTCACAT-3'
Protein context (NP_060106.2, residues 879-899): VGCRLTPGLY[His889Pro]LGRTVLCIDF